The following is an entry in ClinVar:

ClinVar aggregate classification (germline): Uncertain significance (1 of 4 stars; one submission).

Conditions:
Methylcobalamin deficiency type cblE (HMAE). Also called: HOMOCYSTINURIA-MEGALOBLASTIC ANEMIA, cblE COMPLEMENTATION TYPE; HOMOCYSTINURIA-MEGALOBLASTIC ANEMIA, cblE TYPE; VITAMIN B12-RESPONSIVE HOMOCYSTINURIA, cblE TYPE. Identifiers: Orphanet 2169, Orphanet 622, MedGen C1856057, MONDO:0009354, OMIM 236270.

Allele frequency attached by ClinVar (database versions not stated): ExAC 0.00001.
gnomAD v4.1: 1 of 1,613,154 alleles (0.000062%); highest among the groups gnomAD compares: Non-Finnish European, 0.000085%; no homozygotes.

Submission:

Labcorp Genetics (formerly Invitae), Labcorp
Classification: Uncertain significance for Methylcobalamin deficiency type cblE. Last evaluated: 2023-11-27. Review status: criteria provided, single submitter. Criteria: Invitae Variant Classification Sherloc (09022015). Collection method: clinical testing. Allele origin: germline.
Comment: This sequence change replaces alanine, which is neutral and non-polar, with glycine, which is neutral and non-polar, at codon 312 of the MTRR protein (p.Ala312Gly). This variant is present in population databases (rs771599060, gnomAD 0.0009%). This variant has not been reported in the literature in individuals affected with MTRR-related conditions. ClinVar contains an entry for this variant (Variation ID: 1962635). Advanced modeling of protein sequence and biophysical properties (such as structural, functional, and spatial information, amino acid conservation, physicochemical variation, residue mobility, and thermodynamic stability) performed at Invitae indicates that this missense variant is not expected to disrupt MTRR protein function with a negative predictive value of 80%. In summary, the available evidence is currently insufficient to determine the role of this variant in disease. Therefore, it has been classified as a Variant of Uncertain Significance.

NM_002454.3(MTRR):c.935C>G (p.Ala312Gly)

Gene: MTRR (5-methyltetrahydrofolate-homocysteine methyltransferase reductase; plus strand). Cytogenetic location: 5p15.31.
Variant type: single nucleotide variant.
Coding change: c.935C>G on transcript NM_002454.3 (MANE Select); coding-DNA position 935, C replaced by G.
Protein change: p.Ala312Gly; replaces alanine 312 with glycine.
Molecular consequence: missense variant. On other transcripts: non-coding transcript variant (14).
Genome position (GRCh38, 1-based): chr5:7,885,732, C>G. VCF-style: chr5-7885732-C-G. GRCh37 (hg19) VCF-style: chr5-7885845-C-G.
Other names: c.935C>G, p.Ala312Gly (NM_001364440.2, NM_001364441.2, NM_001364442.2 and 1 more transcripts); short protein forms A312G.
Identifiers: ClinVar variation 1962635 (VCV001962635.5), dbSNP rs771599060, ClinGen allele CA3195768.